The following is an entry in ClinVar:

ClinVar aggregate classification (germline): Uncertain significance (1 of 4 stars; one submission).

Allele frequency attached by ClinVar (database versions not stated): gnomAD exomes below 0.00001; TOPMed below 0.00001; gnomAD 0.00001.
gnomAD v4.1: 4 of 1,612,396 alleles (0.00025%); highest among the groups gnomAD compares: African/African-American, 0.004%; no homozygotes.

Submission:

Labcorp Genetics (formerly Invitae), Labcorp
Classification: Uncertain significance. Last evaluated: 2021-10-31. Review status: criteria provided, single submitter. Criteria: Invitae Variant Classification Sherloc (09022015). Collection method: clinical testing. Allele origin: germline.
Comment: This sequence change replaces serine, which is neutral and polar, with proline, which is neutral and non-polar, at codon 1588 of the USH2A protein (p.Ser1588Pro). This variant is present in population databases (no rsID available, gnomAD 0.0009%). This variant has not been reported in the literature in individuals affected with USH2A-related conditions. Algorithms developed to predict the effect of missense changes on protein structure and function are either unavailable or do not agree on the potential impact of this missense change (SIFT: "Deleterious"; PolyPhen-2: "Probably Damaging"; Align-GVGD: "Class C0"). In summary, the available evidence is currently insufficient to determine the role of this variant in disease. Therefore, it has been classified as a Variant of Uncertain Significance.

NM_206933.4(USH2A):c.4762T>C (p.Ser1588Pro)

Gene: USH2A (usherin; minus strand). Cytogenetic location: 1q41.
Variant type: single nucleotide variant.
Coding change: c.4762T>C on transcript NM_206933.4 (MANE Select); coding-DNA position 4762, T replaced by C.
Protein change: p.Ser1588Pro; replaces serine 1588 with proline.
Molecular consequence: missense variant.
Genome position (GRCh38, 1-based): chr1:216,089,136, A>G on the plus strand (T>C on the coding strand, the complement: USH2A is on the minus strand). VCF-style: chr1-216089136-A-G. GRCh37 (hg19) VCF-style: chr1-216262478-A-G.
Other names: short protein forms S1588P.
Identifiers: ClinVar variation 1937972 (VCV001937972.2), dbSNP rs1197673549, ClinGen allele CA344860855.
Genomic context (GRCh38, chr1:216,089,136, plus strand): 5'-GCCATTTTCCATCACTATATTGTTTGCCATGATCATTAGTTGTAGTTACTTCCACTGGTG[A>G]CCCCTTAAGGGAATGAATGAATAAATAAATGTTTATACATGCATATCTACAAATAAACAC-3'
Protein context (NP_996816.3, residues 1578-1598): RLYFLFDPQG[Ser1588Pro]PVEVTTTNDH